The following is an entry in ClinVar:

ClinVar aggregate classification (germline): Uncertain significance (1 of 4 stars; one submission).

Conditions:
Hereditary cancer-predisposing syndrome. Also called: Hereditary Cancer Syndrome; Hereditary neoplastic syndrome; Neoplastic Syndromes, Hereditary; Tumor predisposition. Identifiers: Orphanet 140162, MedGen C0027672, MeSH D009386, MONDO:0015356.

Submission:

Ambry Genetics
Classification: Uncertain significance for Hereditary cancer-predisposing syndrome. Last evaluated: 2022-10-20. Review status: criteria provided, single submitter. Criteria: Ambry Variant Classification Scheme 2023. Collection method: clinical testing. Allele origin: germline.
Comment: The p.G447R variant (also known as c.1339G>A), located in coding exon 6 of the BLM gene, results from a G to A substitution at nucleotide position 1339. The glycine at codon 447 is replaced by arginine, an amino acid with dissimilar properties. This amino acid position is conserved. In addition, this alteration is predicted to be tolerated by in silico analysis. Since supporting evidence is limited at this time, the clinical significance of this alteration remains unclear.

NM_000057.4(BLM):c.1339G>A (p.Gly447Arg)

Gene: BLM (BLM RecQ like helicase; plus strand). Cytogenetic location: 15q26.1.
Variant type: single nucleotide variant.
Coding change: c.1339G>A on transcript NM_000057.4 (MANE Select); coding-DNA position 1339, G replaced by A.
Protein change: p.Gly447Arg; replaces glycine 447 with arginine.
Molecular consequence: missense variant.
Genome position (GRCh38, 1-based): chr15:90,760,712, G>A. VCF-style: chr15-90760712-G-A. GRCh37 (hg19) VCF-style: chr15-91303942-G-A.
Other names: c.1339G>A, p.Gly447Arg (NM_001287246.2, NM_001287247.2); c.214G>A, p.Gly72Arg (NM_001287248.2); short protein forms G447R, G72R.
Identifiers: ClinVar variation 1770305 (VCV001770305.2), dbSNP rs1895952553, ClinGen allele CA393842846.
Genomic context (GRCh38, chr15:90,760,712, plus strand): 5'-TTGTGGAGATACAGGCCTGATTCACTTGATGGCCCTATGGAGGGTGATTCCTGCCCTACA[G>A]GGAATTCTATGAAGGAGTTAAATTTTTCACACCTTCCCTCAAATTCTGTTTCTCCTGGGG-3'
Protein context (NP_000048.1, residues 437-457): GPMEGDSCPT[Gly447Arg]NSMKELNFSH